The following is an entry in ClinVar:

NM_000455.5(STK11):c.549G>T (p.Leu183=)

Gene: STK11 (serine/threonine kinase 11; plus strand). Cytogenetic location: 19p13.3.
Variant type: single nucleotide variant.
Coding change: c.549G>T on transcript NM_000455.5 (MANE Select); coding-DNA position 549, G replaced by T.
Protein change: p.Leu183=; no amino-acid change (leucine 183 retained).
Molecular consequence: synonymous variant.
Genome position (GRCh38, 1-based): chr19:1,220,457, G>T. VCF-style: chr19-1220457-G-T. GRCh37 (hg19) VCF-style: chr19-1220456-G-T.
Identifiers: ClinVar variation 492536 (VCV000492536.4), dbSNP rs1446789323, ClinGen allele CA504892327.
Genomic context (GRCh38, chr19:1,220,457, plus strand): 5'-CCTGGAGTACCTGCATAGCCAGGGCATTGTGCACAAGGACATCAAGCCGGGGAACCTGCT[G>T]CTCACCACCGGTGGCACCCTCAAAATCTCCGACCTGGGCGTGGCCGAGGTAGGCACGTGC-3'
Protein context (NP_000446.1, residues 173-193): VHKDIKPGNL[Leu183=]LTTGGTLKIS

ClinVar aggregate classification (germline): Benign/Likely benign. Review status: criteria provided, multiple submitters, no conflicts (2 of 4 stars). 2 submissions from 2 submitters: Benign (1); Likely benign (1). Last evaluated 2025-03-26.

Conditions:
Peutz-Jeghers syndrome (PJS). Also called: POLYPOSIS, HAMARTOMATOUS INTESTINAL; POLYPS-AND-SPOTS SYNDROME; Peutz-Jeghers polyposis; Periorificial lentiginosis syndrome. Identifiers: Orphanet 2869, MedGen C0031269, MeSH D010580, MONDO:0008280, OMIM 175200.
Hereditary cancer-predisposing syndrome. Also called: Tumor predisposition; Neoplastic Syndromes, Hereditary; Hereditary Cancer Syndrome; Hereditary neoplastic syndrome. Identifiers: Orphanet 140162, MedGen C0027672, MeSH D009386, MONDO:0015356.

Submissions (2):

Myriad Genetics, Inc.
Classification: Benign for Peutz-Jeghers syndrome. Last evaluated: 2025-03-26. Review status: criteria provided, single submitter. Criteria: Myriad Autosomal Dominant, Autosomal Recessive and X-Linked Classification Criteria (2023). Collection method: clinical testing. Allele origin: unknown.
Comment: This variant is considered benign. This variant is a silent/synonymous amino acid change and it is not expected to impact splicing.

Color Diagnostics, LLC DBA Color Health
Classification: Likely benign for Hereditary cancer-predisposing syndrome. Last evaluated: 2016-12-07. Review status: criteria provided, single submitter. Criteria: ACMG Guidelines, 2015. Collection method: clinical testing. Allele origin: germline.